The following is an entry in ClinVar:

ClinVar aggregate classification (germline): Uncertain significance. Review status: criteria provided, multiple submitters, no conflicts (2 of 4 stars). 3 submissions from 3 submitters: Uncertain significance (3). Last evaluated 2025-10-07.

Conditions:
Inborn genetic diseases. Identifiers: MedGen C0950123, MeSH D030342.
Vici syndrome (VICIS). Identifiers: Orphanet 1493, MedGen C1855772, MONDO:0009452, OMIM 242840.

Allele frequency attached by ClinVar (database versions not stated): TOPMed 0.00020; ESP Exome Variant Server 0.00025; gnomAD exomes 0.00001 and 0.00007; ExAC 0.00011; gnomAD 0.00015 and 0.00017; 1000 Genomes Project 30x 0.00031; 1000 Genomes Project 0.00040.
gnomAD v4.1: 36 of 1,573,436 alleles (0.0023%); highest among the groups gnomAD compares: African/African-American, 0.033%; no homozygotes.

Submissions (3):

Ambry Genetics
Classification: Uncertain significance for Inborn genetic diseases. Last evaluated: 2025-10-07. Review status: criteria provided, single submitter. Criteria: Ambry Variant Classification Scheme 2023. Collection method: clinical testing. Allele origin: germline.

Labcorp Genetics (formerly Invitae), Labcorp
Classification: Uncertain significance for Vici syndrome. Last evaluated: 2024-11-30. Review status: criteria provided, single submitter. Criteria: Invitae Variant Classification Sherloc (09022015). Collection method: clinical testing. Allele origin: germline.
Comment: This sequence change replaces valine, which is neutral and non-polar, with isoleucine, which is neutral and non-polar, at codon 1716 of the EPG5 protein (p.Val1716Ile). This variant is present in population databases (rs370311674, gnomAD 0.06%). This variant has not been reported in the literature in individuals affected with EPG5-related conditions. ClinVar contains an entry for this variant (Variation ID: 838602). Invitae Evidence Modeling of protein sequence and biophysical properties (such as structural, functional, and spatial information, amino acid conservation, physicochemical variation, residue mobility, and thermodynamic stability) indicates that this missense variant is not expected to disrupt EPG5 protein function with a negative predictive value of 80%. In summary, the available evidence is currently insufficient to determine the role of this variant in disease. Therefore, it has been classified as a Variant of Uncertain Significance.

GeneDx
Classification: Uncertain significance. Last evaluated: 2024-04-01. Review status: criteria provided, single submitter. Criteria: GeneDx Variant Classification Process June 2021. Collection method: clinical testing. Allele origin: germline. Affected: yes.
Comment: In silico analysis supports that this missense variant does not alter protein structure/function; Has not been previously published as pathogenic or benign to our knowledge

NM_020964.3(EPG5):c.5146G>A (p.Val1716Ile)

Gene: EPG5 (ectopic P-granules 5 autophagy tethering factor; minus strand). Cytogenetic location: 18q12.3.
Variant type: single nucleotide variant.
Coding change: c.5146G>A on transcript NM_020964.3 (MANE Select); coding-DNA position 5146, G replaced by A.
Protein change: p.Val1716Ile; replaces valine 1716 with isoleucine.
Molecular consequence: missense variant.
Genome position (GRCh38, 1-based): chr18:45,884,775, C>T on the plus strand (G>A on the coding strand, the complement: EPG5 is on the minus strand). VCF-style: chr18-45884775-C-T. GRCh37 (hg19) VCF-style: chr18-43464740-C-T.
Other names: short protein forms V1716I.
Identifiers: ClinVar variation 838602 (VCV000838602.10), dbSNP rs370311674, ClinGen allele CA8948656.